The following is an entry in ClinVar:

NM_014055.4(IFT81):c.917A>G (p.His306Arg)

Gene: IFT81 (intraflagellar transport 81; plus strand). Cytogenetic location: 12q24.11.
Variant type: single nucleotide variant.
Coding change: c.917A>G on transcript NM_014055.4 (MANE Select); coding-DNA position 917, A replaced by G.
Protein change: p.His306Arg; replaces histidine 306 with arginine.
Molecular consequence: missense variant. On other transcripts: non-coding transcript variant (3), intron variant (2).
Genome position (GRCh38, 1-based): chr12:110,143,517, A>G. VCF-style: chr12-110143517-A-G. GRCh37 (hg19) VCF-style: chr12-110581322-A-G.
Other names: c.917A>G, p.His306Arg (NM_001143779.2, NM_001347946.2, NM_031473.4); c.16-3436A>G (NM_001347948.2, NM_001347947.2); short protein forms H306R.
Identifiers: ClinVar variation 1026276 (VCV001026276.6), dbSNP rs137970540, ClinGen allele CA386911434.

ClinVar aggregate classification (germline): Uncertain significance (1 of 4 stars; one submission).

gnomAD v4.1: 4 of 1,557,120 alleles (0.00026%); highest among the groups gnomAD compares: Admixed American, 0.0092%; no homozygotes.

Submission:

Labcorp Genetics (formerly Invitae), Labcorp
Classification: Uncertain significance. Last evaluated: 2024-12-02. Review status: criteria provided, single submitter. Criteria: Invitae Variant Classification Sherloc (09022015). Collection method: clinical testing. Allele origin: germline.
Comment: This sequence change replaces histidine, which is basic and polar, with arginine, which is basic and polar, at codon 306 of the IFT81 protein (p.His306Arg). This variant is not present in population databases (gnomAD no frequency). This variant has not been reported in the literature in individuals affected with IFT81-related conditions. ClinVar contains an entry for this variant (Variation ID: 1026276). Invitae Evidence Modeling of protein sequence and biophysical properties (such as structural, functional, and spatial information, amino acid conservation, physicochemical variation, residue mobility, and thermodynamic stability) indicates that this missense variant is not expected to disrupt IFT81 protein function with a negative predictive value of 80%. In summary, the available evidence is currently insufficient to determine the role of this variant in disease. Therefore, it has been classified as a Variant of Uncertain Significance.